The following is an entry in ClinVar:

NM_001447.3(FAT2):c.6919G>A (p.Val2307Ile)

Genes: FAT2 (FAT atypical cadherin 2; minus strand), SLC36A1 (solute carrier family 36 member 1; plus strand). Cytogenetic location: 5q33.1.
Variant type: single nucleotide variant.
Coding change: c.6919G>A on transcript NM_001447.3 (MANE Select); coding-DNA position 6919, G replaced by A.
Protein change: p.Val2307Ile; replaces valine 2307 with isoleucine.
Molecular consequence: missense variant.
Genome position (GRCh38, 1-based): chr5:151,544,208, C>T on the plus strand (G>A on the coding strand, the complement: FAT2 is on the minus strand). VCF-style: chr5-151544208-C-T. GRCh37 (hg19) VCF-style: chr5-150923769-C-T.
Other names: short protein forms V2307I.
Identifiers: ClinVar variation 1915320 (VCV001915320.5), dbSNP rs753725973, ClinGen allele CA3521039.

ClinVar aggregate classification (germline): Uncertain significance (1 of 4 stars; one submission).

Allele frequency attached by ClinVar (database versions not stated): ExAC 0.00002; gnomAD 0.00002; TOPMed 0.00002.
gnomAD v4.1: 22 of 1,614,080 alleles (0.0014%); highest among the groups gnomAD compares: Admixed American, 0.012%; no homozygotes.

Submission:

Labcorp Genetics (formerly Invitae), Labcorp
Classification: Uncertain significance. Last evaluated: 2024-08-19. Review status: criteria provided, single submitter. Criteria: Invitae Variant Classification Sherloc (09022015). Collection method: clinical testing. Allele origin: germline.
Comment: This sequence change replaces valine, which is neutral and non-polar, with isoleucine, which is neutral and non-polar, at codon 2307 of the FAT2 protein (p.Val2307Ile). This variant is present in population databases (rs753725973, gnomAD 0.003%). This variant has not been reported in the literature in individuals affected with FAT2-related conditions. ClinVar contains an entry for this variant (Variation ID: 1915320). An algorithm developed to predict the effect of missense changes on protein structure and function outputs the following: PolyPhen-2: "Benign". The isoleucine amino acid residue is found in multiple mammalian species, which suggests that this missense change does not adversely affect protein function. In summary, the available evidence is currently insufficient to determine the role of this variant in disease. Therefore, it has been classified as a Variant of Uncertain Significance.